The following is an entry in ClinVar:

NM_000717.5(CA4):c.860C>T (p.Pro287Leu)

Gene: CA4 (carbonic anhydrase 4; plus strand). Cytogenetic location: 17q23.1.
Variant type: single nucleotide variant.
Coding change: c.860C>T on transcript NM_000717.5 (MANE Select); coding-DNA position 860, C replaced by T.
Protein change: p.Pro287Leu; replaces proline 287 with leucine.
Molecular consequence: missense variant. On other transcripts: non-coding transcript variant (1).
Genome position (GRCh38, 1-based): chr17:60,159,345, C>T. VCF-style: chr17-60159345-C-T. GRCh37 (hg19) VCF-style: chr17-58236706-C-T.
Other names: short protein forms P287L.
Identifiers: ClinVar variation 1938033 (VCV001938033.5), dbSNP rs771703329, ClinGen allele CA292207765.

ClinVar aggregate classification (germline): Uncertain significance (1 of 4 stars; one submission).

Allele frequency attached by ClinVar (database versions not stated): gnomAD 0.00001; TOPMed 0.00002.
gnomAD v4.1: 14 of 1,609,092 alleles (0.00087%); highest among the groups gnomAD compares: African/African-American, 0.004%; no homozygotes.

Submission:

Labcorp Genetics (formerly Invitae), Labcorp
Classification: Uncertain significance. Last evaluated: 2022-07-04. Review status: criteria provided, single submitter. Criteria: Invitae Variant Classification Sherloc (09022015). Collection method: clinical testing. Allele origin: germline.
Comment: In summary, the available evidence is currently insufficient to determine the role of this variant in disease. Therefore, it has been classified as a Variant of Uncertain Significance. Algorithms developed to predict the effect of missense changes on protein structure and function are either unavailable or do not agree on the potential impact of this missense change (SIFT: "Not Available"; PolyPhen-2: "Possibly Damaging"; Align-GVGD: "Not Available"). This variant has not been reported in the literature in individuals affected with CA4-related conditions. This variant is present in population databases (no rsID available, gnomAD 0.001%). This sequence change replaces proline, which is neutral and non-polar, with leucine, which is neutral and non-polar, at codon 287 of the CA4 protein (p.Pro287Leu).